The following is an entry in ClinVar:

ClinVar aggregate classification (germline): Uncertain significance (1 of 4 stars; one submission).

Conditions:
Argininosuccinate lyase deficiency. Also called: Argininosuccinic aciduria; ARGININOSUCCINIC ACID LYASE DEFICIENCY; ASL DEFICIENCY. Identifiers: Orphanet 23, MedGen C0268547, MONDO:0008815, OMIM 207900, HP:0025630.

gnomAD v4.1: 19 of 1,613,852 alleles (0.0012%); highest among the groups gnomAD compares: African/African-American, 0.015%; no homozygotes.

Submission:

Labcorp Genetics (formerly Invitae), Labcorp
Classification: Uncertain significance for Argininosuccinate lyase deficiency. Last evaluated: 2022-08-21. Review status: criteria provided, single submitter. Criteria: Invitae Variant Classification Sherloc (09022015). Collection method: clinical testing. Allele origin: germline.
Comment: This sequence change affects codon 279 of the ASL mRNA. It is a 'silent' change, meaning that it does not change the encoded amino acid sequence of the ASL protein. This variant is present in population databases (rs543255240, gnomAD 0.008%). This variant has not been reported in the literature in individuals affected with ASL-related conditions. Algorithms developed to predict the effect of sequence changes on RNA splicing suggest that this variant may create or strengthen a splice site. In summary, the available evidence is currently insufficient to determine the role of this variant in disease. Therefore, it has been classified as a Variant of Uncertain Significance.

NM_000048.4(ASL):c.837G>A (p.Thr279=)

Gene: ASL (argininosuccinate lyase; plus strand). Cytogenetic location: 7q11.21.
Variant type: single nucleotide variant.
Coding change: c.837G>A on transcript NM_000048.4 (MANE Select); coding-DNA position 837, G replaced by A.
Protein change: p.Thr279=; no amino-acid change (threonine 279 retained).
Molecular consequence: synonymous variant.
Genome position (GRCh38, 1-based): chr7:66,089,094, G>A. VCF-style: chr7-66089094-G-A. GRCh37 (hg19) VCF-style: chr7-65554081-G-A.
Other names: c.837G>A, p.Thr279= (NM_001024943.2, NM_001024944.2); c.759G>A, p.Thr253= (NM_001024946.2).
Identifiers: ClinVar variation 2198119 (VCV002198119.1), dbSNP rs543255240, ClinGen allele CA4277157.